The following is an entry in ClinVar:

NM_000390.4(CHM):c.1126C>G (p.Pro376Ala)

Gene: CHM (CHM Rab escort protein; minus strand). Cytogenetic location: Xq21.2.
Variant type: single nucleotide variant.
Coding change: c.1126C>G on transcript NM_000390.4 (MANE Select); coding-DNA position 1126, C replaced by G.
Protein change: p.Pro376Ala; replaces proline 376 with alanine.
Molecular consequence: missense variant.
Genome position (GRCh38, 1-based): chrX:85,956,193, G>C on the plus strand (C>G on the coding strand, the complement: CHM is on the minus strand). VCF-style: chrX-85956193-G-C. GRCh37 (hg19) VCF-style: chrX-85211198-G-C.
Other names: c.682C>G, p.Pro228Ala (NM_001320959.1, NM_001362517.1, NM_001362518.2 and 1 more transcripts); short protein forms P228A, P376A.
Identifiers: ClinVar variation 2418593 (VCV002418593.6), dbSNP rs2520252193, ClinGen allele CA413784888.

ClinVar aggregate classification (germline): Uncertain significance (1 of 4 stars; one submission).

Submission:

Labcorp Genetics (formerly Invitae), Labcorp
Classification: Uncertain significance. Last evaluated: 2022-07-03. Review status: criteria provided, single submitter. Criteria: Invitae Variant Classification Sherloc (09022015). Collection method: clinical testing. Allele origin: germline.
Comment: In summary, the available evidence is currently insufficient to determine the role of this variant in disease. Therefore, it has been classified as a Variant of Uncertain Significance. Algorithms developed to predict the effect of missense changes on protein structure and function are either unavailable or do not agree on the potential impact of this missense change (SIFT: "Deleterious"; PolyPhen-2: "Probably Damaging"; Align-GVGD: "Class C0"). This variant has not been reported in the literature in individuals affected with CHM-related conditions. This variant is not present in population databases (gnomAD no frequency). This sequence change replaces proline, which is neutral and non-polar, with alanine, which is neutral and non-polar, at codon 376 of the CHM protein (p.Pro376Ala).